The following is an entry in ClinVar:

NM_005159.4(ACTC1):c.*518A>G

Genes: GJD2-DT (GJD2 divergent transcript; plus strand), ACTC1 (actin alpha cardiac muscle 1; minus strand). Cytogenetic location: 15q14.
Variant type: single nucleotide variant.
Coding change: c.*518A>G on transcript NM_005159.4; 518 bases downstream of the stop codon, A replaced by G.
Genome position (GRCh38, 1-based): chr15:34,789,894, T>C on the plus strand (A>G on the coding strand, the complement: ACTC1 is on the minus strand). VCF-style: chr15-34789894-T-C. GRCh37 (hg19) VCF-style: chr15-35082095-T-C.
Identifiers: ClinVar variation 315690 (VCV000315690.7), dbSNP rs115295911, ClinGen allele CA10635863.
Genomic context (GRCh38, chr15:34,789,894, plus strand): 5'-AAGAATTGAAAAGTTAAGCCAATTCATTTAAAATAATCTTTGACTTTCTCATTATCAATA[T>C]ATGTGTATTTTCTGCAAGGTTACAAAAACAACTGGAACATATGTTAAAATAATCTTCAGT-3'

ClinVar aggregate classification (germline): Likely benign. Review status: criteria provided, single submitter (1 of 4 stars). 2 submissions from 1 submitter: Likely benign (2). Last evaluated 2018-01-12.

Conditions:
Hypertrophic cardiomyopathy 11. Also called: ACTC1-Related Familial Hypertrophic Cardiomyopathy. Identifiers: MedGen C2677506, MONDO:0012799, OMIM 612098.
Dilated cardiomyopathy 1R (CMD1R). Identifiers: Orphanet 154, Orphanet 54260, MedGen C3150681, MONDO:0013261, OMIM 613424.

Allele frequency attached by ClinVar (database versions not stated): gnomAD 0.00473 and 0.00500; 1000 Genomes Project 30x 0.00609; 1000 Genomes Project 0.00499; gnomAD exomes 0.00266; TOPMed 0.00630.

Submissions (2):

Illumina Laboratory Services, Illumina
Classification: Likely benign for Dilated cardiomyopathy 1R. Last evaluated: 2018-01-12. Review status: criteria provided, single submitter. Criteria: ICSL Variant Classification Criteria 13 December 2019. Collection method: clinical testing. Allele origin: germline.
Comment: This variant was observed in the ICSL laboratory as part of a predisposition screen in an ostensibly healthy population. It had not been previously curated by ICSL or reported in the Human Gene Mutation Database (HGMD: prior to June 1st, 2018), and was therefore a candidate for classification through an automated scoring system. Utilizing variant allele frequency, disease prevalence and penetrance estimates, and inheritance mode, an automated score was calculated to assess if this variant is too frequent to cause the disease. Based on the score and internal cut-off values, a variant classified as likely benign is not then subjected to further curation. The score for this variant resulted in a classification of likely benign for this disease.

Illumina Laboratory Services, Illumina
Classification: Likely benign for Hypertrophic cardiomyopathy 11. Last evaluated: 2018-01-12. Review status: criteria provided, single submitter. Criteria: ICSL Variant Classification Criteria 13 December 2019. Collection method: clinical testing. Allele origin: germline.
Comment: the same text as in the submission from Illumina Laboratory Services, Illumina above.